The following is an entry in ClinVar:

ClinVar aggregate classification (germline): Uncertain significance. Review status: criteria provided, multiple submitters, no conflicts (2 of 4 stars). 2 submissions from 2 submitters: Uncertain significance (2). Last evaluated 2025-09-15.

Allele frequency attached by ClinVar (database versions not stated): gnomAD 0.00001; gnomAD exomes 0.00001; TOPMed 0.00002.
gnomAD v4.1: 13 of 1,606,396 alleles (0.00081%); highest among the groups gnomAD compares: African/African-American, 0.004%; no homozygotes.

Submissions (2):

Labcorp Genetics (formerly Invitae), Labcorp
Classification: Uncertain significance. Last evaluated: 2025-09-15. Review status: criteria provided, single submitter. Criteria: Invitae Variant Classification Sherloc (09022015). Collection method: clinical testing. Allele origin: germline.
Comment: This sequence change creates a premature translational stop signal (p.Arg135*) in the DNA2 gene. It is expected to result in an absent or disrupted protein product. However, the current clinical and genetic evidence is not sufficient to establish whether loss-of-function variants in DNA2 cause disease. This variant is present in population databases (rs769474497, gnomAD 0.004%). This variant has not been reported in the literature in individuals affected with DNA2-related conditions. ClinVar contains an entry for this variant (Variation ID: 1700533). Algorithms developed to predict the effect of sequence changes on RNA splicing suggest that this variant may disrupt the consensus splice site. In summary, the available evidence is currently insufficient to determine the role of this variant in disease. Therefore, it has been classified as a Variant of Uncertain Significance.

GeneDx
Classification: Uncertain significance. Last evaluated: 2022-02-07. Review status: criteria provided, single submitter. Criteria: GeneDx Variant Classification Process June 2021. Collection method: clinical testing. Allele origin: germline. Affected: yes.
Comment: Nonsense variant predicted to result in protein truncation or nonsense mediated decay in a gene for which loss-of-function is a known mechanism of disease; Has not been previously published as pathogenic or benign to our knowledge

NM_001080449.3(DNA2):c.403C>T (p.Arg135Ter)

Gene: DNA2 (DNA replication helicase/nuclease 2; minus strand). Cytogenetic location: 10q21.3.
Variant type: single nucleotide variant.
Coding change: c.403C>T on transcript NM_001080449.3 (MANE Select); coding-DNA position 403, C replaced by T.
Protein change: p.Arg135Ter; replaces arginine 135 with a stop codon.
Molecular consequence: nonsense. On other transcripts: non-coding transcript variant (1).
Genome position (GRCh38, 1-based): chr10:68,468,161, G>A on the plus strand (C>T on the coding strand, the complement: DNA2 is on the minus strand). VCF-style: chr10-68468161-G-A. GRCh37 (hg19) VCF-style: chr10-70227918-G-A.
Other names: short protein forms R135*.
Identifiers: ClinVar variation 1700533 (VCV001700533.7), dbSNP rs769474497, ClinGen allele CA208187439.